The following is an entry in ClinVar:

NM_016579.4(CD320):c.522G>T (p.Pro174=)

Gene: CD320 (CD320 molecule; minus strand). Cytogenetic location: 19p13.2.
Variant type: single nucleotide variant.
Coding change: c.522G>T on transcript NM_016579.4 (MANE Select); coding-DNA position 522, G replaced by T.
Protein change: p.Pro174=; no amino-acid change (proline 174 retained).
Molecular consequence: synonymous variant.
Genome position (GRCh38, 1-based): chr19:8,302,961, C>A on the plus strand (G>T on the coding strand, the complement: CD320 is on the minus strand). VCF-style: chr19-8302961-C-A. GRCh37 (hg19) VCF-style: chr19-8367845-C-A.
Other names: p.Pro174=; c.396G>T, p.Pro132= (NM_001165895.2).
Identifiers: ClinVar variation 377632 (VCV000377632.37), dbSNP rs79658260, ClinGen allele CA9154690.

ClinVar aggregate classification (germline): Benign/Likely benign. Review status: criteria provided, multiple submitters, no conflicts (2 of 4 stars). 6 submissions from 6 submitters: Benign (5); Likely benign (1). Last evaluated 2026-02-02.

Conditions:
Methylmalonic acidemia due to transcobalamin receptor defect (MATR). Also called: METHYLMALONIC ACIDURIA, TRANSIENT, DUE TO TRANSCOBALAMIN RECEPTOR DEFECT; METHYLMALONIC ACIDEMIA, TCblR TYPE. Identifiers: Orphanet 280183, MedGen C4749905, MONDO:0013341, OMIM 613646.

Allele frequency attached by ClinVar (database versions not stated): 1000 Genomes Project 30x 0.00250; 1000 Genomes Project 0.00280; gnomAD exomes 0.00731; TOPMed 0.00734; ESP Exome Variant Server 0.00846.
gnomAD v4.1: 14,783 of 1,613,880 alleles (0.92%); highest among the groups gnomAD compares: Non-Finnish European, 1.1%; 83 homozygotes.

Submissions (6):

Labcorp Genetics (formerly Invitae), Labcorp
Classification: Benign for Methylmalonic acidemia due to transcobalamin receptor defect. Last evaluated: 2026-02-02. Review status: criteria provided, single submitter. Criteria: Invitae Variant Classification Sherloc (09022015). Collection method: clinical testing. Allele origin: germline.

CeGaT Center for Human Genetics Tuebingen
Classification: Benign. Last evaluated: 2026-02-01. Review status: criteria provided, single submitter. Criteria: CeGaT Center For Human Genetics Tuebingen Variant Classification Criteria Version 2. Collection method: clinical testing. Allele origin: germline. Affected: yes. Observed: 3 variant alleles.
Comment: CD320: BP4, BP7, BS1, BS2

Mayo Clinic Laboratories, Mayo Clinic
Classification: Likely benign. Last evaluated: 2025-06-13. Review status: criteria provided, single submitter. Criteria: ACMG Guidelines, 2015. Collection method: clinical testing. Allele origin: germline. Observed: 5 variant alleles.
Comment: BP4, BP7

ARUP Laboratories, Molecular Genetics and Genomics, ARUP Laboratories
Classification: Benign for Methylmalonic acidemia due to transcobalamin receptor defect. Last evaluated: 2024-11-21. Review status: criteria provided, single submitter. Criteria: ARUP Molecular Germline Variant Investigation Process 2024. Collection method: clinical testing. Allele origin: germline.

GeneDx
Classification: Benign. Last evaluated: 2016-09-20. Review status: criteria provided, single submitter. Criteria: GeneDx Variant Classification (06012015). Collection method: clinical testing. Allele origin: germline. Affected: yes.
Comment: This variant is considered likely benign or benign based on one or more of the following criteria: it is a conservative change, it occurs at a poorly conserved position in the protein, it is predicted to be benign by multiple in silico algorithms, and/or has population frequency not consistent with disease.

Breakthrough Genomics
Classification: Benign. Review status: criteria provided, single submitter. Criteria: ACMG Guidelines, 2015. Collection method: not provided. Allele origin: germline. Inheritance: Autosomal recessive inheritance. Affected: yes.